The following is an entry in ClinVar:

NM_001277115.2(DNAH11):c.8060T>C (p.Ile2687Thr)

Gene: DNAH11 (dynein axonemal heavy chain 11; plus strand). Cytogenetic location: 7p15.3.
Variant type: single nucleotide variant.
Coding change: c.8060T>C on transcript NM_001277115.2 (MANE Select); coding-DNA position 8060, T replaced by C.
Protein change: p.Ile2687Thr; replaces isoleucine 2687 with threonine.
Molecular consequence: missense variant.
Genome position (GRCh38, 1-based): chr7:21,742,072, T>C. VCF-style: chr7-21742072-T-C. GRCh37 (hg19) VCF-style: chr7-21781690-T-C.
Other names: c.8060T>C (NM_001277115.1); c.8081T>C, p.Ile2694Thr (NM_003777.3); short protein forms I2694T, I2687T.
Identifiers: ClinVar variation 3004294 (VCV003004294.4), dbSNP rs564514095, ClinGen allele CA4181450.

ClinVar aggregate classification (germline): Conflicting classifications of pathogenicity. Review status: criteria provided, conflicting classifications (1 of 4 stars). 2 submissions from 2 submitters: Uncertain significance (1); Benign (1). Last evaluated 2024-07-11.

Conditions:
Primary ciliary dyskinesia. Also called: Ciliary dyskinesia. Identifiers: Orphanet 244, MedGen C0008780, MONDO:0016575, HP:0012265.

Allele frequency attached by ClinVar (database versions not stated): gnomAD exomes below 0.00001; gnomAD 0.00001; TOPMed 0.00001; ExAC 0.00002; 1000 Genomes Project 30x 0.00016; 1000 Genomes Project 0.00020.
gnomAD v4.1: 7 of 1,613,924 alleles (0.00043%); highest among the groups gnomAD compares: East Asian, 0.011%; no homozygotes.

Submissions (2):

Ambry Genetics
Classification: Uncertain significance for Primary ciliary dyskinesia. Last evaluated: 2024-07-11. Review status: criteria provided, single submitter. Criteria: Ambry Variant Classification Scheme 2023. Collection method: clinical testing. Allele origin: germline.
Comment: The p.I2687T variant (also known as c.8060T>C), located in coding exon 49 of the DNAH11 gene, results from a T to C substitution at nucleotide position 8060. The isoleucine at codon 2687 is replaced by threonine, an amino acid with similar properties. This amino acid position is conserved. In addition, this alteration is predicted to be tolerated by in silico analysis. Based on the available evidence, the clinical significance of this variant remains unclear.

Labcorp Genetics (formerly Invitae), Labcorp
Classification: Benign for Primary ciliary dyskinesia. Last evaluated: 2024-01-19. Review status: criteria provided, single submitter. Criteria: Invitae Variant Classification Sherloc (09022015). Collection method: clinical testing. Allele origin: germline.